The following is an entry in ClinVar:

NM_000238.4(KCNH2):c.1102del (p.His368fs)

Gene: KCNH2 (potassium voltage-gated channel subfamily H member 2; minus strand). Cytogenetic location: 7q36.1.
Variant type: Deletion.
Coding change: c.1102del on transcript NM_000238.4 (MANE Select); coding-DNA position 1102, one base deleted (C; older notation c.1102delC).
Protein change: p.His368fs; shifts the reading frame from histidine 368.
Molecular consequence: frameshift variant.
Genome position (GRCh38, 1-based): chr7:150,957,317, G deleted on the plus strand (C on the coding strand, the reverse complement: KCNH2 is on the minus strand); the first of 3 consecutive G bases (chr7:150,957,317-150,957,319); deleting any one gives the same sequence. VCF-style (leftmost placement, unchanged base first): chr7-150957316-TG-T. GRCh37 (hg19) VCF-style: chr7-150654404-TG-T.
Other names: c.1102delC (NM_000238.3); c.812delC, p.His272Thrfs (NM_001406753.1, NM_001406756.1); c.923delC, p.His309Thrfs (NM_001406755.1); c.800delC, p.His268Thrfs (NM_001406757.1); c.1100delC, p.His368Thrfs (NM_172056.3); short protein forms H368fs.
Identifiers: ClinVar variation 818076 (VCV000818076.4), dbSNP rs1584863723, ClinGen allele CA915945578.

ClinVar aggregate classification (germline): Pathogenic/Likely pathogenic. Review status: criteria provided, multiple submitters, no conflicts (2 of 4 stars). 2 submissions from 2 submitters: Pathogenic (1); Likely pathogenic (1). Last evaluated 2019-10-11.

Conditions:
Long QT syndrome 2 (LQT2). Identifiers: Orphanet 101016, Orphanet 768, MedGen C3150943, MONDO:0013367, OMIM 613688.

Submissions (2):

MVZ Martinsried, Medicover Genetics
Classification: Pathogenic for Long QT syndrome 2. Last evaluated: 2019-10-11. Review status: criteria provided, single submitter. Criteria: ACMG Guidelines, 2015. Collection method: clinical testing. Allele origin: unknown. Affected: yes.

GeneDx
Classification: Likely pathogenic. Last evaluated: 2019-06-04. Review status: criteria provided, single submitter. Criteria: GeneDx Variant Classification (06012015). Collection method: clinical testing. Allele origin: germline. Affected: yes.
Comment: Has not been previously published as pathogenic or benign to our knowledge; Not observed in large population cohorts (Lek et al., 2016); Frameshift variant predicted to result in protein truncation or nonsense mediated decay in a gene for which loss-of-function is a known mechanism of disease